The following is an entry in ClinVar:

ClinVar aggregate classification (germline): Uncertain significance (1 of 4 stars; one submission).

Conditions:
Inborn genetic diseases. Identifiers: MedGen C0950123, MeSH D030342.

Allele frequency attached by ClinVar (database versions not stated): TOPMed 0.00001.

Submission:

Ambry Genetics
Classification: Uncertain significance for Inborn genetic diseases. Last evaluated: 2023-07-27. Review status: criteria provided, single submitter. Criteria: Ambry Variant Classification Scheme 2023. Collection method: clinical testing. Allele origin: germline.
Comment: The p.A684V variant (also known as c.2051C>T), located in coding exon 13 of the EPAS1 gene, results from a C to T substitution at nucleotide position 2051. The alanine at codon 684 is replaced by valine, an amino acid with similar properties. This amino acid position is conserved. In addition, this alteration is predicted to be tolerated by in silico analysis. Since supporting evidence is limited at this time, the clinical significance of this alteration remains unclear.

NM_001430.5(EPAS1):c.2051C>T (p.Ala684Val)

Gene: EPAS1 (endothelial PAS domain protein 1; plus strand). Cytogenetic location: 2p21.
Variant type: single nucleotide variant.
Coding change: c.2051C>T on transcript NM_001430.5 (MANE Select); coding-DNA position 2051, C replaced by T.
Protein change: p.Ala684Val; replaces alanine 684 with valine.
Molecular consequence: missense variant.
Genome position (GRCh38, 1-based): chr2:46,381,601, C>T. VCF-style: chr2-46381601-C-T. GRCh37 (hg19) VCF-style: chr2-46608740-C-T.
Other names: short protein forms A684V.
Identifiers: ClinVar variation 2624645 (VCV002624645.2), dbSNP rs1684892882, ClinGen allele CA346705430.